The following is an entry in ClinVar:

NM_004836.7(EIF2AK3):c.940G>A (p.Val314Ile)

Gene: EIF2AK3 (eukaryotic translation initiation factor 2 alpha kinase 3; minus strand). Cytogenetic location: 2p11.2.
Variant type: single nucleotide variant.
Coding change: c.940G>A on transcript NM_004836.7 (MANE Select); coding-DNA position 940, G replaced by A.
Protein change: p.Val314Ile; replaces valine 314 with isoleucine.
Molecular consequence: missense variant.
Genome position (GRCh38, 1-based): chr2:88,590,880, C>T on the plus strand (G>A on the coding strand, the complement: EIF2AK3 is on the minus strand). VCF-style: chr2-88590880-C-T. GRCh37 (hg19) VCF-style: chr2-88890398-C-T.
Other names: c.487G>A, p.Val163Ile (NM_001313915.2); short protein forms V314I, V163I.
Identifiers: ClinVar variation 1482072 (VCV001482072.5), dbSNP rs563686568, ClinGen allele CA1754805.

ClinVar aggregate classification (germline): Uncertain significance (1 of 4 stars; one submission).

Allele frequency attached by ClinVar (database versions not stated): gnomAD 0.00004 and 0.00005; gnomAD exomes 0.00010; ExAC 0.00014; 1000 Genomes Project 30x 0.00016; 1000 Genomes Project 0.00020.
gnomAD v4.1: 68 of 1,614,066 alleles (0.0042%); highest among the groups gnomAD compares: South Asian, 0.031%; no homozygotes.

Submission:

Labcorp Genetics (formerly Invitae), Labcorp
Classification: Uncertain significance. Last evaluated: 2021-08-14. Review status: criteria provided, single submitter. Criteria: Invitae Variant Classification Sherloc (09022015). Collection method: clinical testing. Allele origin: germline.
Comment: This sequence change replaces valine with isoleucine at codon 314 of the EIF2AK3 protein (p.Val314Ile). The valine residue is highly conserved and there is a small physicochemical difference between valine and isoleucine. This variant is present in population databases (rs563686568, ExAC 0.08%). This variant has not been reported in the literature in individuals affected with EIF2AK3-related conditions. Algorithms developed to predict the effect of missense changes on protein structure and function are either unavailable or do not agree on the potential impact of this missense change (SIFT: "Tolerated"; PolyPhen-2: "Possibly Damaging"; Align-GVGD: "Class C0"). In summary, the available evidence is currently insufficient to determine the role of this variant in disease. Therefore, it has been classified as a Variant of Uncertain Significance.